The following is an entry in ClinVar:

ClinVar aggregate classification (germline): Uncertain significance (1 of 4 stars; one submission).

Submission:

CeGaT Center for Human Genetics Tuebingen
Classification: Uncertain significance. Last evaluated: 2025-06-01. Review status: criteria provided, single submitter. Criteria: CeGaT Center For Human Genetics Tuebingen Variant Classification Criteria Version 2. Collection method: clinical testing. Allele origin: germline. Affected: yes. Observed: 1 variant allele.
Comment: ANOS1: PM2, BP4

NM_000216.4(ANOS1):c.1992T>A (p.His664Gln)

Gene: ANOS1 (anosmin 1; minus strand). Cytogenetic location: Xp22.31.
Variant type: single nucleotide variant.
Coding change: c.1992T>A on transcript NM_000216.4 (MANE Select); coding-DNA position 1992, T replaced by A.
Protein change: p.His664Gln; replaces histidine 664 with glutamine.
Molecular consequence: missense variant.
Genome position (GRCh38, 1-based): chrX:8,533,046, A>T on the plus strand (T>A on the coding strand, the complement: ANOS1 is on the minus strand). VCF-style: chrX-8533046-A-T. GRCh37 (hg19) VCF-style: chrX-8501087-A-T.
Other names: short protein forms H664Q.
Identifiers: ClinVar variation 4085291 (VCV004085291.8).